The following is an entry in ClinVar:

ClinVar aggregate classification (germline): Uncertain significance (1 of 4 stars; one submission).

Submission:

CeGaT Center for Human Genetics Tuebingen
Classification: Uncertain significance. Last evaluated: 2025-12-01. Review status: criteria provided, single submitter. Criteria: CeGaT Center For Human Genetics Tuebingen Variant Classification Criteria Version 2. Collection method: clinical testing. Allele origin: germline. Affected: yes. Observed: 1 variant allele.
Comment: PURA: PM2, PP2, PP3

NM_005859.5(PURA):c.165G>T (p.Gln55His)

Gene: PURA (purine rich element binding protein A; plus strand). Cytogenetic location: 5q31.3.
Variant type: single nucleotide variant.
Coding change: c.165G>T on transcript NM_005859.5 (MANE Select); coding-DNA position 165, G replaced by T.
Protein change: p.Gln55His; replaces glutamine 55 with histidine.
Molecular consequence: missense variant.
Genome position (GRCh38, 1-based): chr5:140,114,346, G>T. VCF-style: chr5-140114346-G-T. GRCh37 (hg19) VCF-style: chr5-139493931-G-T.
Other names: short protein forms Q55H.
Identifiers: ClinVar variation 4682061 (VCV004682061.5).